The following is an entry in ClinVar:

NM_020822.3(KCNT1):c.1522T>C (p.Cys508Arg)

Gene: KCNT1 (potassium sodium-activated channel subfamily T member 1; plus strand). Cytogenetic location: 9q34.3.
Variant type: single nucleotide variant.
Coding change: c.1522T>C on transcript NM_020822.3 (MANE Select); coding-DNA position 1522, T replaced by C.
Protein change: p.Cys508Arg; replaces cysteine 508 with arginine.
Molecular consequence: missense variant.
Genome position (GRCh38, 1-based): chr9:135,769,958, T>C. VCF-style: chr9-135769958-T-C. GRCh37 (hg19) VCF-style: chr9-138661804-T-C.
Other names: c.1387T>C, p.Cys463Arg (NM_001272003.2); short protein forms C508R, C463R.
Identifiers: ClinVar variation 4783513 (VCV004783513.1).

ClinVar aggregate classification (germline): Uncertain significance (1 of 4 stars; one submission).

Conditions:
Autosomal dominant nocturnal frontal lobe epilepsy 5. Also called: CILIARY DYSKINESIA, PRIMARY, 28, WITHOUT SITUS INVERSUS; CILIARY DYSKINESIA, PRIMARY, 28, WITH SITUS INVERSUS; KCNT1-Related Epilepsy; Epilepsy, nocturnal frontal lobe, 5. Identifiers: Orphanet 98784, MedGen C3554306, MONDO:0014002, OMIM 615005.
Developmental and epileptic encephalopathy, 14 (DEE14). Also called: Early infantile epileptic encephalopathy 14. Identifiers: Orphanet 293181, MedGen C3554195, MONDO:0013989, OMIM 614959.

Submission:

Labcorp Genetics (formerly Invitae), Labcorp
Classification: Uncertain significance for Autosomal dominant nocturnal frontal lobe epilepsy 5; Developmental and epileptic encephalopathy, 14. Last evaluated: 2025-03-16. Review status: criteria provided, single submitter. Criteria: Invitae Variant Classification Sherloc (09022015). Collection method: clinical testing. Allele origin: germline.
Comment: This sequence change replaces cysteine, which is neutral and slightly polar, with arginine, which is basic and polar, at codon 508 of the KCNT1 protein (p.Cys508Arg). This variant is not present in population databases (gnomAD no frequency). This variant has not been reported in the literature in individuals affected with KCNT1-related conditions. Invitae Evidence Modeling of protein sequence and biophysical properties (such as structural, functional, and spatial information, amino acid conservation, physicochemical variation, residue mobility, and thermodynamic stability) indicates that this missense variant is expected to disrupt KCNT1 protein function with a positive predictive value of 80%. In summary, the available evidence is currently insufficient to determine the role of this variant in disease. Therefore, it has been classified as a Variant of Uncertain Significance.